The following is an entry in ClinVar:

NM_000156.6(GAMT):c.470T>G (p.Phe157Cys)

Gene: GAMT (guanidinoacetate N-methyltransferase; minus strand). Cytogenetic location: 19p13.3.
Variant type: single nucleotide variant.
Coding change: c.470T>G on transcript NM_000156.6 (MANE Select); coding-DNA position 470, T replaced by G.
Protein change: p.Phe157Cys; replaces phenylalanine 157 with cysteine.
Molecular consequence: missense variant.
Genome position (GRCh38, 1-based): chr19:1,399,016, A>C on the plus strand (T>G on the coding strand, the complement: GAMT is on the minus strand). VCF-style: chr19-1399016-A-C. GRCh37 (hg19) VCF-style: chr19-1399015-A-C.
Other names: c.470T>G, p.Phe157Cys (NM_138924.3); short protein forms F157C.
Identifiers: ClinVar variation 650133 (VCV000650133.7), dbSNP rs751570656, ClinGen allele CA9043636.

ClinVar aggregate classification (germline): Uncertain significance. Review status: criteria provided, single submitter (1 of 4 stars). 2 submissions from 2 submitters: Uncertain significance (1). 1 of the submissions does not count toward it. Last evaluated 2022-07-19.

Conditions:
Cerebral creatine deficiency syndrome. Also called: Creatine deficiency syndromes. Identifiers: Orphanet 79172, MedGen C5244016, MONDO:0000456.
Deficiency of guanidinoacetate methyltransferase (CCDS2). Also called: GAMT DEFICIENCY; CEREBRAL CREATINE DEFICIENCY SYNDROME 2; Guanidinoacetate Methyltransferase (GAMT) Deficiency. Identifiers: Orphanet 382, MedGen C0574080, MONDO:0012999, OMIM 612736.

Allele frequency attached by ClinVar (database versions not stated): gnomAD exomes 0.00001 and below 0.00001; TOPMed below 0.00001; ExAC 0.00001; gnomAD 0.00001.
gnomAD v4.1: 4 of 1,613,314 alleles (0.00025%); highest among the groups gnomAD compares: Admixed American, 0.005%; no homozygotes.

Submissions (2):

Labcorp Genetics (formerly Invitae), Labcorp
Classification: Uncertain significance for Cerebral creatine deficiency syndrome. Last evaluated: 2022-07-19. Review status: criteria provided, single submitter. Criteria: Invitae Variant Classification Sherloc (09022015). Collection method: clinical testing. Allele origin: germline.
Comment: This sequence change replaces phenylalanine, which is neutral and non-polar, with cysteine, which is neutral and slightly polar, at codon 157 of the GAMT protein (p.Phe157Cys). This variant is present in population databases (rs751570656, gnomAD 0.007%). This variant has not been reported in the literature in individuals affected with GAMT-related conditions. ClinVar contains an entry for this variant (Variation ID: 650133). Algorithms developed to predict the effect of missense changes on protein structure and function (SIFT, PolyPhen-2, Align-GVGD) all suggest that this variant is likely to be tolerated. In summary, the available evidence is currently insufficient to determine the role of this variant in disease. Therefore, it has been classified as a Variant of Uncertain Significance.

Natera, Inc.
Classification: Uncertain significance for Guanidinoacetate methyltransferase deficiency. Last evaluated: 2020-01-24. Review status: no assertion criteria provided. Collection method: clinical testing. Allele origin: germline. Not counted in ClinVar's aggregate classification.